The following is an entry in ClinVar:

ClinVar aggregate classification (germline): Uncertain significance (1 of 4 stars; one submission).

Conditions:
Developmental and epileptic encephalopathy, 31A. Also called: Epileptic encephalopathy, early infantile, 31; Developmental and epileptic encephalopathy, 31. Identifiers: Orphanet 2382, MedGen C4225357, MONDO:0014598, OMIM 616346.

Allele frequency attached by ClinVar (database versions not stated): gnomAD exomes below 0.00001.

Submission:

Labcorp Genetics (formerly Invitae), Labcorp
Classification: Uncertain significance for Developmental and epileptic encephalopathy, 31A. Last evaluated: 2020-03-10. Review status: criteria provided, single submitter. Criteria: Invitae Variant Classification Sherloc (09022015). Collection method: clinical testing. Allele origin: germline.
Comment: In summary, the available evidence is currently insufficient to determine the role of this variant in disease. Therefore, it has been classified as a Variant of Uncertain Significance. Algorithms developed to predict the effect of sequence changes on RNA splicing suggest that this variant may create or strengthen a splice site, but this prediction has not been confirmed by published transcriptional studies. Experimental studies and prediction algorithms are not available or were not evaluated, and the functional significance of this variant is currently unknown. This variant has not been reported in the literature in individuals with DNM1-related conditions. This variant is not present in population databases (ExAC no frequency). This variant, c.2542_2559dup, results in the insertion of 6 amino acid(s) to the DNM1 protein (p.Gly848_Ser853dup), but otherwise preserves the integrity of the reading frame.

NM_004408.4(DNM1):c.2542_2559dup (p.Gly848_Ser853dup)

Gene: DNM1 (dynamin 1; plus strand). Cytogenetic location: 9q34.11.
Variant type: Duplication.
Coding change: c.2542_2559dup on transcript NM_004408.4 (MANE Select); coding-DNA positions 2542 to 2559, 18 bases duplicated (GGTCAGGCAAGTCCATCC).
Protein change: p.Gly848_Ser853dup.
Molecular consequence: inframe insertion. On other transcripts: 3 prime UTR variant (4).
Genome position (GRCh38, 1-based): chr9:128,254,661-128,254,678, GGTCAGGCAAGTCCATCC duplicated. VCF-style (leftmost placement, unchanged base first): chr9-128254660-G-GGGTCAGGCAAGTCCATCC. GRCh37 (hg19) VCF-style: chr9-131016939-G-GGGTCAGGCAAGTCCATCC.
Other names: c.*23_*40dup (NM_001005336.3, NM_001288737.2); c.*668_*685dup (NM_001288738.2); c.2542_2559dup, p.Gly848_Ser853dup (NM_001288739.2); c.*583_*600dup (NM_001374269.1).
Identifiers: ClinVar variation 999639 (VCV000999639.12), dbSNP rs1564358652, ClinGen allele CA590615171.